The following is an entry in ClinVar:

NM_003618.4(MAP4K3):c.1474+5T>C

Gene: MAP4K3 (mitogen-activated protein kinase kinase kinase kinase 3; minus strand). Cytogenetic location: 2p22.1.
Variant type: single nucleotide variant.
Coding change: c.1474+5T>C on transcript NM_003618.4 (MANE Select); 5 bases into the intron after coding-DNA position 1474, T replaced by C.
Molecular consequence: intron variant.
Genome position (GRCh38, 1-based): chr2:39,288,116, A>G on the plus strand (T>C on the coding strand, the complement: MAP4K3 is on the minus strand). VCF-style: chr2-39288116-A-G. GRCh37 (hg19) VCF-style: chr2-39515257-A-G.
Other names: c.1222+5T>C (NM_001410753.1); c.1411+5T>C (NM_001270425.2).
Identifiers: ClinVar variation 2650847 (VCV002650847.24), dbSNP rs56309850, ClinGen allele CA1625758.

ClinVar aggregate classification (germline): Likely benign (1 of 4 stars; one submission).

Allele frequency attached by ClinVar (database versions not stated): 1000 Genomes Project 0.00160; 1000 Genomes Project 30x 0.00172; TOPMed 0.00300; ESP Exome Variant Server 0.00346; gnomAD 0.00413; ExAC 0.00417; gnomAD exomes 0.00447.
gnomAD v4.1: 7,097 of 1,613,760 alleles (0.44%); highest among the groups gnomAD compares: Middle Eastern, 0.49%; 30 homozygotes.

Submission:

CeGaT Center for Human Genetics Tuebingen
Classification: Likely benign. Last evaluated: 2024-08-01. Review status: criteria provided, single submitter. Criteria: CeGaT Center For Human Genetics Tuebingen Variant Classification Criteria Version 2. Collection method: clinical testing. Allele origin: germline. Affected: yes. Observed: 3 variant alleles.
Comment: MAP4K3: BP4, BS2